The following is an entry in ClinVar:

NM_016151.4(TAOK2):c.3560G>A (p.Arg1187Gln)

Gene: TAOK2 (TAO kinase 2; plus strand). Cytogenetic location: 16p11.2.
Variant type: single nucleotide variant.
Coding change: c.3560G>A on transcript NM_016151.4 (MANE Select); coding-DNA position 3560, G replaced by A.
Protein change: p.Arg1187Gln; replaces arginine 1187 with glutamine.
Molecular consequence: missense variant. On other transcripts: intron variant (1).
Genome position (GRCh38, 1-based): chr16:29,987,832, G>A. VCF-style: chr16-29987832-G-A. GRCh37 (hg19) VCF-style: chr16-29999153-G-A.
Other names: c.2232+1328G>A (NM_004783.4); c.3221G>A, p.Arg1074Gln (NM_001252043.2); short protein forms R1074Q, R1187Q.
Identifiers: ClinVar variation 3605877 (VCV003605877.2).

ClinVar aggregate classification (germline): Uncertain significance (1 of 4 stars; one submission).

gnomAD v4.1: 4 of 1,612,378 alleles (0.00025%); highest among the groups gnomAD compares: Non-Finnish European, 0.00034%; no homozygotes.

Submission:

Labcorp Genetics (formerly Invitae), Labcorp
Classification: Uncertain significance. Last evaluated: 2024-07-17. Review status: criteria provided, single submitter. Criteria: Invitae Variant Classification Sherloc (09022015). Collection method: clinical testing. Allele origin: germline.
Comment: This sequence change replaces arginine, which is basic and polar, with glutamine, which is neutral and polar, at codon 1187 of the TAOK2 protein (p.Arg1187Gln). This variant is present in population databases (no rsID available, gnomAD 0.01%). This variant has not been reported in the literature in individuals affected with TAOK2-related conditions. An algorithm developed to predict the effect of missense changes on protein structure and function (PolyPhen-2) suggests that this variant is likely to be tolerated. In summary, the available evidence is currently insufficient to determine the role of this variant in disease. Therefore, it has been classified as a Variant of Uncertain Significance.